The following is an entry in ClinVar:

ClinVar aggregate classification (germline): Uncertain significance. Review status: criteria provided, multiple submitters, no conflicts (2 of 4 stars). 4 submissions from 4 submitters: Uncertain significance (4). Last evaluated 2025-11-17.

Allele frequency attached by ClinVar (database versions not stated): gnomAD exomes 0.00011; ExAC 0.00016; gnomAD 0.00016; ESP Exome Variant Server 0.00023; TOPMed 0.00026.
gnomAD v4.1: 189 of 1,613,610 alleles (0.012%); highest among the groups gnomAD compares: Middle Eastern, 0.066%; no homozygotes.

Submissions (4):

Labcorp Genetics (formerly Invitae), Labcorp
Classification: Uncertain significance. Last evaluated: 2025-11-17. Review status: criteria provided, single submitter. Criteria: Invitae Variant Classification Sherloc (09022015). Collection method: clinical testing. Allele origin: germline.
Comment: This sequence change replaces arginine, which is basic and polar, with cysteine, which is neutral and slightly polar, at codon 1637 of the HSPG2 protein (p.Arg1637Cys). This variant is present in population databases (rs142149919, gnomAD 0.04%). This variant has not been reported in the literature in individuals affected with HSPG2-related conditions. ClinVar contains an entry for this variant (Variation ID: 2149047). An algorithm developed to predict the effect of missense changes on protein structure and function (PolyPhen-2) suggests that this variant is likely to be disruptive. In summary, the available evidence is currently insufficient to determine the role of this variant in disease. Therefore, it has been classified as a Variant of Uncertain Significance.

Dasa
Classification: Uncertain significance. Last evaluated: 2025-02-02. Review status: criteria provided, single submitter. Criteria: DASA Assertion Criteria. Collection method: clinical testing. Allele origin: germline.
Comment: NM_005529.7(HSPG2):c.4909C>T (p.Arg1637Cys) is a missense variant that results in the substitution of arginine with cysteine. Computational prediction algorithms are consistent with a benign effect. The currently available literature and clinical evidence are not sufficient to establish a definitive association between this variant and the reported condition. Therefore, this variant is classified as a variant of uncertain significance.

Blueprint Genetics
Classification: Uncertain significance. Last evaluated: 2024-11-08. Review status: criteria provided, single submitter. Criteria: ACMG Guidelines, 2015. Collection method: clinical testing. Allele origin: germline.

Revvity Omics, Revvity
Classification: Uncertain significance. Last evaluated: 2019-01-07. Review status: criteria provided, single submitter. Criteria: ACMG Guidelines, 2015. Collection method: clinical testing. Allele origin: germline.

NM_005529.7(HSPG2):c.4909C>T (p.Arg1637Cys)

Gene: HSPG2 (heparan sulfate proteoglycan 2; minus strand). Cytogenetic location: 1p36.12.
Variant type: single nucleotide variant.
Coding change: c.4909C>T on transcript NM_005529.7 (MANE Select); coding-DNA position 4909, C replaced by T.
Protein change: p.Arg1637Cys; replaces arginine 1637 with cysteine.
Molecular consequence: missense variant.
Genome position (GRCh38, 1-based): chr1:21,861,803, G>A on the plus strand (C>T on the coding strand, the complement: HSPG2 is on the minus strand). VCF-style: chr1-21861803-G-A. GRCh37 (hg19) VCF-style: chr1-22188296-G-A.
Other names: c.4912C>T, p.Arg1638Cys (NM_001291860.2); short protein forms R1638C, R1637C.
Identifiers: ClinVar variation 2149047 (VCV002149047.9), dbSNP rs142149919, ClinGen allele CA672122.